The following is an entry in ClinVar:

NM_173630.4(RTTN):c.4940+7G>A

Gene: RTTN (rotatin; minus strand). Cytogenetic location: 18q22.2.
Variant type: single nucleotide variant.
Coding change: c.4940+7G>A on transcript NM_173630.4 (MANE Select); 7 bases into the intron after coding-DNA position 4940, G replaced by A.
Molecular consequence: intron variant.
Genome position (GRCh38, 1-based): chr18:70,059,843, C>T on the plus strand (G>A on the coding strand, the complement: RTTN is on the minus strand). VCF-style: chr18-70059843-C-T. GRCh37 (hg19) VCF-style: chr18-67727079-C-T.
Other names: c.2204+7G>A (NM_001318520.2).
Identifiers: ClinVar variation 130184 (VCV000130184.17), dbSNP rs17082039, ClinGen allele CA155012.

ClinVar aggregate classification (germline): Benign. Review status: criteria provided, multiple submitters, no conflicts (2 of 4 stars). 4 submissions from 4 submitters: Benign (3). 1 of the submissions does not count toward it. Last evaluated 2026-02-03.

Allele frequency attached by ClinVar (database versions not stated): gnomAD exomes 0.00272; gnomAD 0.02895; ESP Exome Variant Server 0.03035; TOPMed 0.03272; 1000 Genomes Project 0.03395; 1000 Genomes Project 30x 0.03592.
gnomAD v4.1: 8,405 of 1,572,098 alleles (0.53%); highest among the groups gnomAD compares: African/African-American, 10%; 433 homozygotes.

Submissions (4):

Labcorp Genetics (formerly Invitae), Labcorp
Classification: Benign. Last evaluated: 2026-02-03. Review status: criteria provided, single submitter. Criteria: Invitae Variant Classification Sherloc (09022015). Collection method: clinical testing. Allele origin: germline.

GeneDx
Classification: Benign. Last evaluated: 2016-03-15. Review status: criteria provided, single submitter. Criteria: GeneDx Variant Classification (06012015). Collection method: clinical testing. Allele origin: germline. Affected: yes.
Comment: This variant is considered likely benign or benign based on one or more of the following criteria: it is a conservative change, it occurs at a poorly conserved position in the protein, it is predicted to be benign by multiple in silico algorithms, and/or has population frequency not consistent with disease.

Breakthrough Genomics
Classification: Benign. Review status: criteria provided, single submitter. Criteria: ACMG Guidelines, 2015. Collection method: not provided. Allele origin: germline. Inheritance: Autosomal recessive inheritance. Affected: yes.

Genetic Services Laboratory, University of Chicago
Classification: Likely benign for AllHighlyPenetrant. Review status: no assertion criteria provided. Collection method: clinical testing. Allele origin: germline. Inheritance: Autosomal recessive inheritance. Not counted in ClinVar's aggregate classification.
Comment: Likely benign based on allele frequency in 1000 Genomes Project or ESP global frequency and its presence in a patient with a rare or unrelated disease phenotype. NOT Sanger confirmed.